The following is an entry in ClinVar:

ClinVar aggregate classification (germline): Uncertain significance. Review status: criteria provided, multiple submitters, no conflicts (2 of 4 stars). 2 submissions from 2 submitters: Uncertain significance (2). Last evaluated 2025-07-01.

Conditions:
Marfan syndrome (MFS). Also called: MARFAN SYNDROME, TYPE I; Marfan syndrome type 1; Marfan's syndrome; Marfan syndrome, classic; FBN1-Related Marfan Syndrome. Identifiers: Orphanet 284963, Orphanet 558, MedGen C0024796, MONDO:0007947, OMIM 154700.
Familial thoracic aortic aneurysm and aortic dissection (TAAD). Also called: Thoracic aortic aneurysms and dissections. Identifiers: Orphanet 91387, MedGen C4707243, MONDO:0019625.

gnomAD v4.1: 1 of 1,613,758 alleles (0.000062%); highest among the groups gnomAD compares: Non-Finnish European, 0.000085%; no homozygotes.

Submissions (2):

Color Diagnostics, LLC DBA Color Health
Classification: Uncertain significance for Familial thoracic aortic aneurysm and aortic dissection. Last evaluated: 2025-07-01. Review status: criteria provided, single submitter. Criteria: ACMG Guidelines, 2015. Collection method: clinical testing. Allele origin: germline.
Comment: This missense variant replaces threonine with serine at codon 784 of the FBN1 protein. Computational prediction is inconclusive regarding the impact of this variant on protein structure and function. To our knowledge, functional studies have not been reported for this variant. This variant has not been reported in individuals affected with FBN1-related disorders in the literature. This variant has not been identified in the general population by the Genome Aggregation Database (gnomAD). The available evidence is insufficient to determine the role of this variant in disease conclusively. Therefore, this variant is classified as a Variant of Uncertain Significance.

All of Us Research Program, National Institutes of Health
Classification: Uncertain significance for Marfan syndrome. Last evaluated: 2023-06-26. Review status: criteria provided, single submitter. Criteria: ACMG Guidelines, 2015. Collection method: clinical testing. Allele origin: germline. Inheritance: Autosomal dominant inheritance. Observed: 1 variant allele, 1 heterozygote.
Comment: This missense variant replaces threonine with serine at codon 784 of the FBN1 protein. Computational prediction is inconclusive regarding the impact of this variant on protein structure and function (internally defined REVEL score threshold 0.5 < inconclusive < 0.7, PMID: 27666373). To our knowledge, functional studies have not been reported for this variant. This variant has not been reported in individuals affected with FBN1-related disorders in the literature. This variant has not been identified in the general population by the Genome Aggregation Database (gnomAD). The available evidence is insufficient to determine the role of this variant in disease conclusively. Therefore, this variant is classified as a Variant of Uncertain Significance.

This study involves interpretation of variants in research participants for the purpose of population health screening. Participant phenotype was not available at the time of variant classification. Additional details can be found in publication PMID: 35346344, PMCID: PMC8962531

NM_000138.5(FBN1):c.2350A>T (p.Thr784Ser)

Gene: FBN1 (fibrillin 1; minus strand). Cytogenetic location: 15q21.1.
Variant type: single nucleotide variant.
Coding change: c.2350A>T on transcript NM_000138.5 (MANE Select); coding-DNA position 2350, A replaced by T.
Protein change: p.Thr784Ser; replaces threonine 784 with serine.
Molecular consequence: missense variant.
Genome position (GRCh38, 1-based): chr15:48,496,169, T>A on the plus strand (A>T on the coding strand, the complement: FBN1 is on the minus strand). VCF-style: chr15-48496169-T-A. GRCh37 (hg19) VCF-style: chr15-48788366-T-A.
Other names: c.2350A>T, p.Thr784Ser (NM_001406716.1); short protein forms T784S.
Identifiers: ClinVar variation 3072036 (VCV003072036.2), dbSNP rs2505573686, ClinGen allele CA392335435.